The following is an entry in ClinVar:

NM_016222.4(DDX41):c.34C>G (p.Arg12Gly)

Gene: DDX41 (DEAD-box helicase 41; minus strand). Cytogenetic location: 5q35.3.
Variant type: single nucleotide variant.
Coding change: c.34C>G on transcript NM_016222.4 (MANE Select); coding-DNA position 34, C replaced by G.
Protein change: p.Arg12Gly; replaces arginine 12 with glycine.
Molecular consequence: missense variant. On other transcripts: 5 prime UTR variant (2).
Genome position (GRCh38, 1-based): chr5:177,516,829, G>C on the plus strand (C>G on the coding strand, the complement: DDX41 is on the minus strand). VCF-style: chr5-177516829-G-C. GRCh37 (hg19) VCF-style: chr5-176943830-G-C.
Other names: c.-622C>G (NM_001321732.2); c.-414C>G (NM_001321830.2); short protein forms R12G.
Identifiers: ClinVar variation 5035144 (VCV005035144.1).

ClinVar aggregate classification (germline): Uncertain significance (1 of 4 stars; one submission).

Conditions:
Inborn genetic diseases. Identifiers: MedGen C0950123, MeSH D030342.

gnomAD v4.1: 1 of 1,612,734 alleles (0.000062%); highest among the groups gnomAD compares: African/African-American, 0.0013%; no homozygotes.

Submission:

Ambry Genetics
Classification: Uncertain significance for Inborn genetic diseases. Last evaluated: 2026-07-08. Review status: criteria provided, single submitter. Criteria: Ambry Variant Classification Scheme 2023. Collection method: clinical testing. Allele origin: germline.
Comment: The p.R12G variant (also known as c.34C>G), located in coding exon 2 of the DDX41 gene, results from a C to G substitution at nucleotide position 34. The arginine at codon 12 is replaced by glycine, an amino acid with dissimilar properties. This amino acid position is highly conserved in available vertebrate species. In addition, the in silico prediction for this alteration is inconclusive. Based on the available evidence, the clinical significance of this variant remains unclear.